The following is an entry in ClinVar:

NM_001363711.2(DUOX2):c.1873C>G (p.Arg625Gly)

Gene: DUOX2 (dual oxidase 2; minus strand). Cytogenetic location: 15q21.1.
Variant type: single nucleotide variant.
Coding change: c.1873C>G on transcript NM_001363711.2 (MANE Select); coding-DNA position 1873, C replaced by G.
Protein change: p.Arg625Gly; replaces arginine 625 with glycine.
Molecular consequence: missense variant.
Genome position (GRCh38, 1-based): chr15:45,106,600, G>C on the plus strand (C>G on the coding strand, the complement: DUOX2 is on the minus strand). VCF-style: chr15-45106600-G-C. GRCh37 (hg19) VCF-style: chr15-45398798-G-C.
Other names: c.1873C>G, p.Arg625Gly (NM_014080.5); short protein forms R625G.
Identifiers: ClinVar variation 4777512 (VCV004777512.1).

ClinVar aggregate classification (germline): Uncertain significance (1 of 4 stars; one submission).

gnomAD v4.1: 10 of 1,613,748 alleles (0.00062%); highest among the groups gnomAD compares: Admixed American, 0.005%; no homozygotes.

Submission:

Labcorp Genetics (formerly Invitae), Labcorp
Classification: Uncertain significance. Last evaluated: 2025-09-23. Review status: criteria provided, single submitter. Criteria: Invitae Variant Classification Sherloc (09022015). Collection method: clinical testing. Allele origin: germline.
Comment: This sequence change replaces arginine, which is basic and polar, with glycine, which is neutral and non-polar, at codon 625 of the DUOX2 protein (p.Arg625Gly). This variant is present in population databases (no rsID available, gnomAD 0.009%). This variant has not been reported in the literature in individuals affected with DUOX2-related conditions. Invitae Evidence Modeling of protein sequence and biophysical properties (such as structural, functional, and spatial information, amino acid conservation, physicochemical variation, residue mobility, and thermodynamic stability) indicates that this missense variant is expected to disrupt DUOX2 protein function with a positive predictive value of 80%. In summary, the available evidence is currently insufficient to determine the role of this variant in disease. Therefore, it has been classified as a Variant of Uncertain Significance.